The following is an entry in ClinVar:

ClinVar aggregate classification (germline): Uncertain significance. Review status: criteria provided, multiple submitters, no conflicts (2 of 4 stars). 3 submissions from 3 submitters: Uncertain significance (3). Last evaluated 2025-04-07.

Conditions:
Hemolytic anemia due to glutathione reductase deficiency (CNSHA10). Also called: ANEMIA, CONGENITAL, NONSPHEROCYTIC HEMOLYTIC, 10. Identifiers: Orphanet 90030, MedGen C5231513, MONDO:0019531, OMIM 618660.

gnomAD v4.1: 6 of 1,278,772 alleles (0.00047%); highest among the groups gnomAD compares: Admixed American, 0.012%; no homozygotes.

Submissions (3):

Ambry Genetics
Classification: Uncertain significance. Last evaluated: 2025-04-07. Review status: criteria provided, single submitter. Criteria: Ambry Variant Classification Scheme 2023. Collection method: clinical testing. Allele origin: germline.

Labcorp Genetics (formerly Invitae), Labcorp
Classification: Uncertain significance. Last evaluated: 2024-09-03. Review status: criteria provided, single submitter. Criteria: Invitae Variant Classification Sherloc (09022015). Collection method: clinical testing. Allele origin: germline.
Comment: This sequence change replaces alanine, which is neutral and non-polar, with serine, which is neutral and polar, at codon 7 of the GSR protein (p.Ala7Ser). This variant is not present in population databases (gnomAD no frequency). This variant has not been reported in the literature in individuals affected with GSR-related conditions. ClinVar contains an entry for this variant (Variation ID: 2472708). An algorithm developed to predict the effect of missense changes on protein structure and function outputs the following: PolyPhen-2: "Benign". The serine amino acid residue is found in multiple mammalian species, which suggests that this missense change does not adversely affect protein function. In summary, the available evidence is currently insufficient to determine the role of this variant in disease. Therefore, it has been classified as a Variant of Uncertain Significance.

Revvity Omics, Revvity
Classification: Uncertain significance for Hemolytic anemia due to glutathione reductase deficiency. Last evaluated: 2024-06-14. Review status: criteria provided, single submitter. Criteria: ACMG Guidelines, 2015. Collection method: clinical testing. Allele origin: germline.

NM_000637.5(GSR):c.19G>T (p.Ala7Ser)

Genes: GSR (glutathione-disulfide reductase; minus strand), LOC130000170 (ATAC-STARR-seq lymphoblastoid silent region 19083; plus strand). Cytogenetic location: 8p12.
Variant type: single nucleotide variant.
Coding change: c.19G>T on transcript NM_000637.5 (MANE Select); coding-DNA position 19, G replaced by T.
Protein change: p.Ala7Ser; replaces alanine 7 with serine.
Molecular consequence: missense variant.
Genome position (GRCh38, 1-based): chr8:30,727,817, C>A on the plus strand (G>T on the coding strand, the complement: GSR is on the minus strand). VCF-style: chr8-30727817-C-A. GRCh37 (hg19) VCF-style: chr8-30585334-C-A.
Other names: c.19G>T, p.Ala7Ser (NM_001195103.3, NM_001195104.3, NM_001195102.3); short protein forms A7S.
Identifiers: ClinVar variation 2472708 (VCV002472708.5), dbSNP rs1347696433, ClinGen allele CA370880891.
Genomic context (GRCh38, chr8:30,727,817, plus strand): 5'-GGAAGCCTCGGAAGGCGCGCGCCGCCCGCCGCCAGCTCGGTCCCGCGCCGGCGCTCAGGG[C>A]TCGGGGCAGCAGGGCCATGCACGCGGAAGTGGCGCGCCAAGTGGGGCGGGCGGCCCGGGG-3'
Protein context (NP_000628.2, residues 1-17): MALLPR[Ala7Ser]LSAGAGPSWR